The following is an entry in ClinVar:

ClinVar aggregate classification (germline): Uncertain significance (1 of 4 stars; one submission).

Submission:

Labcorp Genetics (formerly Invitae), Labcorp
Classification: Uncertain significance. Last evaluated: 2023-06-19. Review status: criteria provided, single submitter. Criteria: Invitae Variant Classification Sherloc (09022015). Collection method: clinical testing. Allele origin: germline.
Comment: This variant has not been reported in the literature in individuals affected with COL9A1-related conditions. This variant is not present in population databases (gnomAD no frequency). This sequence change replaces glycine, which is neutral and non-polar, with valine, which is neutral and non-polar, at codon 721 of the COL9A1 protein (p.Gly721Val). ClinVar contains an entry for this variant (Variation ID: 1404210). In summary, the available evidence is currently insufficient to determine the role of this variant in disease. Therefore, it has been classified as a Variant of Uncertain Significance. Advanced modeling of protein sequence and biophysical properties (such as structural, functional, and spatial information, amino acid conservation, physicochemical variation, residue mobility, and thermodynamic stability) performed at Invitae indicates that this missense variant is expected to disrupt COL9A1 protein function.

NM_001851.6(COL9A1):c.2162G>T (p.Gly721Val)

Gene: COL9A1 (collagen type IX alpha 1 chain; minus strand). Cytogenetic location: 6q13.
Variant type: single nucleotide variant.
Coding change: c.2162G>T on transcript NM_001851.6 (MANE Select); coding-DNA position 2162, G replaced by T.
Protein change: p.Gly721Val; replaces glycine 721 with valine.
Molecular consequence: missense variant. On other transcripts: non-coding transcript variant (1), intron variant (1).
Genome position (GRCh38, 1-based): chr6:70,234,891, C>A on the plus strand (G>T on the coding strand, the complement: COL9A1 is on the minus strand). VCF-style: chr6-70234891-C-A. GRCh37 (hg19) VCF-style: chr6-70944594-C-A.
Other names: c.1463G>T, p.Gly488Val (NM_001377289.1); c.1433G>T, p.Gly478Val (NM_078485.4); c.1384-298G>T (NM_001377290.1); short protein forms G478V, G721V, G488V.
Identifiers: ClinVar variation 1404210 (VCV001404210.8), dbSNP rs774807480, ClinGen allele CA364673427.